The following is an entry in ClinVar:

ClinVar aggregate classification (germline): Pathogenic (1 of 4 stars; one submission).

Conditions:
Schimke immuno-osseous dysplasia (SIOD). Also called: Schimke Immunoosseous Dysplasia. Identifiers: Orphanet 1830, MedGen C0877024, MONDO:0009458, OMIM 242900.

Submission:

Labcorp Genetics (formerly Invitae), Labcorp
Classification: Pathogenic for Schimke immuno-osseous dysplasia. Last evaluated: 2023-06-25. Review status: criteria provided, single submitter. Criteria: Invitae Variant Classification Sherloc (09022015). Collection method: clinical testing. Allele origin: germline.
Comment: For these reasons, this variant has been classified as Pathogenic. This variant has not been reported in the literature in individuals affected with SMARCAL1-related conditions. This variant is not present in population databases (gnomAD no frequency). This sequence change creates a premature translational stop signal (p.Arg674*) in the SMARCAL1 gene. It is expected to result in an absent or disrupted protein product. Loss-of-function variants in SMARCAL1 are known to be pathogenic (PMID: 11799392, 20301550).

Literature cited by the submitters: PubMed 11799392; PubMed 20301550.

NM_014140.4(SMARCAL1):c.2020A>T (p.Arg674Ter)

Gene: SMARCAL1 (SNF2 related chromatin remodeling annealing helicase 1; plus strand). Cytogenetic location: 2q35.
Variant type: single nucleotide variant.
Coding change: c.2020A>T on transcript NM_014140.4 (MANE Select); coding-DNA position 2020, A replaced by T.
Protein change: p.Arg674Ter; replaces arginine 674 with a stop codon.
Molecular consequence: nonsense.
Genome position (GRCh38, 1-based): chr2:216,451,014, A>T. VCF-style: chr2-216451014-A-T. GRCh37 (hg19) VCF-style: chr2-217315737-A-T.
Other names: c.2020A>T, p.Arg674Ter (NM_001127207.2); short protein forms R674*.
Identifiers: ClinVar variation 2728698 (VCV002728698.3), dbSNP rs2469017174, ClinGen allele CA350502234.